The following is an entry in ClinVar:

NM_000397.4(CYBB):c.1012C>T (p.His338Tyr)

Gene: CYBB (cytochrome b-245 beta chain; plus strand). Cytogenetic location: Xp11.4.
Variant type: single nucleotide variant.
Coding change: c.1012C>T on transcript NM_000397.4 (MANE Select); coding-DNA position 1012, C replaced by T.
Protein change: p.His338Tyr; replaces histidine 338 with tyrosine.
Molecular consequence: missense variant.
Genome position (GRCh38, 1-based): chrX:37,803,991, C>T. VCF-style: chrX-37803991-C-T. GRCh37 (hg19) VCF-style: chrX-37663244-C-T.
Other names: short protein forms H338Y.
Identifiers: ClinVar variation 68367 (VCV000068367.8), dbSNP rs151344484, ClinGen allele CA219664.
Genomic context (GRCh38, chrX:37,803,991, plus strand): 5'-AAAATGGAAGTGGGACAATACATTTTTGTCAAGTGCCCAAAGGTGTCCAAGCTGGAGTGG[C>T]ACCCTTTTACACTGACATCCGCCCCTGAGGAAGACTTCTTTAGTATCCATATCCGCATCG-3'
Protein context (NP_000388.2, residues 328-348): KCPKVSKLEW[His338Tyr]PFTLTSAPEE

ClinVar aggregate classification (germline): Pathogenic. Review status: criteria provided, single submitter (1 of 4 stars). 2 submissions from 2 submitters: Pathogenic (1). 1 of the submissions does not count toward it. Last evaluated 2025-06-10.

Conditions:
Granulomatous disease, chronic, X-linked. Also called: CYTOCHROME b-NEGATIVE GRANULOMATOUS DISEASE, CHRONIC, X-LINKED; GRANULOMATOUS DISEASE, CHRONIC, X-LINKED, SOMATIC MOSAIC. Identifiers: Orphanet 379, MedGen C1844376, MONDO:0010600, OMIM 306400.

Submissions (2):

Labcorp Genetics (formerly Invitae), Labcorp
Classification: Pathogenic for Granulomatous disease, chronic, X-linked. Last evaluated: 2025-06-10. Review status: criteria provided, single submitter. Criteria: Invitae Variant Classification Sherloc (09022015). Collection method: clinical testing. Allele origin: germline.
Comment: This sequence change replaces histidine, which is basic and polar, with tyrosine, which is neutral and polar, at codon 338 of the CYBB protein (p.His338Tyr). This variant is not present in population databases (gnomAD no frequency). This missense change has been observed in individuals with chronic granulomatous disease (PMID: 8634410, 9774399, 22924696, 29560547). This variant is also known as gp91phox and NOX2. ClinVar contains an entry for this variant (Variation ID: 68367). Invitae Evidence Modeling of protein sequence and biophysical properties (such as structural, functional, and spatial information, amino acid conservation, physicochemical variation, residue mobility, and thermodynamic stability) indicates that this missense variant is expected to disrupt CYBB protein function with a positive predictive value of 80%. Experimental studies have shown that this missense change affects CYBB function (PMID: 25252997). For these reasons, this variant has been classified as Pathogenic.

UniProtKB/Swiss-Prot
No classification provided. Review status: no classification provided. Collection method: not provided. Allele origin: not provided. Not counted in ClinVar's aggregate classification.

Literature cited by the submitters: PubMed 8634410 (cited by Labcorp Genetics (formerly Invitae), Labcorp); PubMed 9774399 (cited by Labcorp Genetics (formerly Invitae), Labcorp); PubMed 22924696 (cited by Labcorp Genetics (formerly Invitae), Labcorp); PubMed 29560547 (cited by Labcorp Genetics (formerly Invitae), Labcorp); PubMed 25252997 (cited by Labcorp Genetics (formerly Invitae), Labcorp).